The following is an entry in ClinVar:

ClinVar aggregate classification (germline): Uncertain significance (1 of 4 stars; one submission).

Conditions:
ATRX-related disorder. Also called: ATRX-related condition.

Submission:

PreventionGenetics, part of Exact Sciences
Classification: Uncertain significance for ATRX-related condition. Last evaluated: 2025-02-19. Review status: criteria provided, single submitter. Criteria: ACMG Guidelines, 2015. Collection method: clinical testing. Allele origin: germline.
Comment: The ATRX c.1942T>G variant is predicted to result in the amino acid substitution p.Leu648Val. To our knowledge, this variant has not been reported in the literature or in a large population database (gnomAD), indicating this variant is rare. At this time, the clinical significance of this variant is uncertain due to the absence of conclusive functional and genetic evidence.

NM_000489.6(ATRX):c.1942T>G (p.Leu648Val)

Gene: ATRX (ATRX chromatin remodeler; minus strand). Cytogenetic location: Xq21.1.
Variant type: single nucleotide variant.
Coding change: c.1942T>G on transcript NM_000489.6 (MANE Select); coding-DNA position 1942, T replaced by G.
Protein change: p.Leu648Val; replaces leucine 648 with valine.
Molecular consequence: missense variant.
Genome position (GRCh38, 1-based): chrX:77,683,314, A>C on the plus strand (T>G on the coding strand, the complement: ATRX is on the minus strand). VCF-style: chrX-77683314-A-C. GRCh37 (hg19) VCF-style: chrX-76938806-A-C.
Other names: c.1828T>G, p.Leu610Val (NM_138270.5); short protein forms L610V, L648V.
Identifiers: ClinVar variation 4983855 (VCV004983855.1).